The following is an entry in ClinVar:

NM_006493.4(CLN5):c.-96C>T

Gene: CLN5 (CLN5 lysosomal BMP synthase; plus strand). Cytogenetic location: 13q22.3.
Variant type: single nucleotide variant.
Coding change: c.-96C>T on transcript NM_006493.4 (MANE Select); 96 bases upstream of the start codon, C replaced by T.
Genome position (GRCh38, 1-based): chr13:76,992,003, C>T. VCF-style: chr13-76992003-C-T. GRCh37 (hg19) VCF-style: chr13-77566138-C-T.
Identifiers: ClinVar variation 421520 (VCV000421520.13), dbSNP rs773979248, ClinGen allele CA7007084.
Genomic context (GRCh38, chr13:76,992,003, plus strand): 5'-GGAGGTGTCATGCGCCGGAACCTGCGCTTGGGGCCAAGCTCTGGAGCTGACGCGCAGGGG[C>T]AAGGCGCCCCGCGTCCCGGACTGGCGGCTCCGCGCATGCTCCTCCCACCGGCGTCGCAGG-3'

ClinVar aggregate classification (germline): Uncertain significance. Review status: criteria provided, multiple submitters, no conflicts (2 of 4 stars). 4 submissions from 4 submitters: Uncertain significance (4). Last evaluated 2026-01-04.

Conditions:
Neuronal ceroid lipofuscinosis 5 (CLN5). Also called: CEROID LIPOFUSCINOSIS, NEURONAL, 5, VARIABLE AGE AT ONSET; Neuronal ceroid lipofuscinosis Finnish variant; NEURONAL CEROID LIPOFUSCINOSIS, LATE INFANTILE, FINNISH VARIANT; CLN5-Related Neuronal Ceroid-Lipofuscinosis. Identifiers: Orphanet 168491, Orphanet 228360, MedGen C1850442, MONDO:0009745, OMIM 256731.
Neuronal ceroid lipofuscinosis. Also called: Neuronal Ceroid Lipofuscinoses. Identifiers: Orphanet 216, Orphanet 79263, MedGen C0027877, MONDO:0016295. Disease mechanism: loss of function.

Allele frequency attached by ClinVar (database versions not stated): TOPMed 0.00003; gnomAD exomes 0.00008.

Submissions (4):

GeneDx
Classification: Uncertain significance. Last evaluated: 2026-01-04. Review status: criteria provided, single submitter. Criteria: GeneDx Variant Classification Process June 2021. Collection method: clinical testing. Allele origin: germline. Affected: yes.
Comment: Has not been previously published as pathogenic or benign to our knowledge; Also known as c.-96C>T

Labcorp Genetics (formerly Invitae), Labcorp
Classification: Uncertain significance for Neuronal ceroid lipofuscinosis. Last evaluated: 2022-10-24. Review status: criteria provided, single submitter. Criteria: Invitae Variant Classification Sherloc (09022015). Collection method: clinical testing. Allele origin: germline.
Comment: This sequence change creates a premature translational stop signal (p.Gln18*) in the CLN5 gene. However, it is currently unclear if variants that occur in this region of the gene cause disease. This variant is present in population databases (rs773979248, gnomAD 0.05%), including at least one homozygous and/or hemizygous individual. This variant has not been reported in the literature in individuals affected with CLN5-related conditions. ClinVar contains an entry for this variant (Variation ID: 421520). Algorithms developed to predict the effect of sequence changes on RNA splicing suggest that this variant may create or strengthen a splice site. In summary, the available evidence is currently insufficient to determine the role of this variant in disease. Therefore, it has been classified as a Variant of Uncertain Significance.

Fulgent Genetics
Classification: Uncertain significance for Neuronal ceroid lipofuscinosis 5. Last evaluated: 2021-12-10. Review status: criteria provided, single submitter. Criteria: ACMG Guidelines, 2015. Collection method: clinical testing. Allele origin: unknown.

Genome-Nilou Lab
Classification: Uncertain significance for Neuronal ceroid lipofuscinosis 5. Last evaluated: 2021-09-05. Review status: criteria provided, single submitter. Criteria: ACMG Guidelines, 2015. Collection method: clinical testing. Allele origin: germline. Affected: no.